The following is an entry in ClinVar:

NM_030973.4(MED25):c.1972A>C (p.Thr658Pro)

Gene: MED25 (mediator complex subunit 25; plus strand). Cytogenetic location: 19q13.33.
Variant type: single nucleotide variant.
Coding change: c.1972A>C on transcript NM_030973.4 (MANE Select); coding-DNA position 1972, A replaced by C.
Protein change: p.Thr658Pro; replaces threonine 658 with proline.
Molecular consequence: missense variant.
Genome position (GRCh38, 1-based): chr19:49,836,232, A>C. VCF-style: chr19-49836232-A-C. GRCh37 (hg19) VCF-style: chr19-50339489-A-C.
Other names: c.1972A>C, p.Thr658Pro (NM_001378355.1); short protein forms T658P.
Identifiers: ClinVar variation 1054545 (VCV001054545.7), dbSNP rs1030696258, ClinGen allele CA309521036.

ClinVar aggregate classification (germline): Uncertain significance (1 of 4 stars; one submission).

Conditions:
Charcot-Marie-Tooth disease type 2. Also called: Charcot-Marie-Tooth type 2. Identifiers: Orphanet 64746, MedGen C0270914, MONDO:0018993.

Allele frequency attached by ClinVar (database versions not stated): TOPMed below 0.00001; gnomAD exomes below 0.00001.
gnomAD v4.1: 3 of 1,611,918 alleles (0.00019%); highest among the groups gnomAD compares: Non-Finnish European, 0.00017%; no homozygotes.

Submission:

Labcorp Genetics (formerly Invitae), Labcorp
Classification: Uncertain significance for Charcot-Marie-Tooth disease type 2. Last evaluated: 2022-08-16. Review status: criteria provided, single submitter. Criteria: Invitae Variant Classification Sherloc (09022015). Collection method: clinical testing. Allele origin: germline.
Comment: Algorithms developed to predict the effect of missense changes on protein structure and function (SIFT, PolyPhen-2, Align-GVGD) all suggest that this variant is likely to be tolerated. ClinVar contains an entry for this variant (Variation ID: 1054545). This variant has not been reported in the literature in individuals affected with MED25-related conditions. This variant is not present in population databases (gnomAD no frequency). This sequence change replaces threonine, which is neutral and polar, with proline, which is neutral and non-polar, at codon 658 of the MED25 protein (p.Thr658Pro). Algorithms developed to predict the effect of sequence changes on RNA splicing suggest that this variant may disrupt the consensus splice site. In summary, the available evidence is currently insufficient to determine the role of this variant in disease. Therefore, it has been classified as a Variant of Uncertain Significance.